The following is an entry in ClinVar:

NM_016932.5(SIX2):c.600G>A (p.Pro200=)

Gene: SIX2 (SIX homeobox 2; minus strand). Cytogenetic location: 2p21.
Variant type: single nucleotide variant.
Coding change: c.600G>A on transcript NM_016932.5 (MANE Select); coding-DNA position 600, G replaced by A.
Protein change: p.Pro200=; no amino-acid change (proline 200 retained).
Molecular consequence: synonymous variant.
Genome position (GRCh38, 1-based): chr2:45,006,446, C>T on the plus strand (G>A on the coding strand, the complement: SIX2 is on the minus strand). VCF-style: chr2-45006446-C-T. GRCh37 (hg19) VCF-style: chr2-45233585-C-T.
Identifiers: ClinVar variation 2498817 (VCV002498817.30), dbSNP rs749314865, ClinGen allele CA1642527.

ClinVar aggregate classification (germline): Likely benign. Review status: criteria provided, multiple submitters, no conflicts (2 of 4 stars). 2 submissions from 2 submitters: Likely benign (2). Last evaluated 2024-08-23.

Allele frequency attached by ClinVar (database versions not stated): ExAC 0.00002; TOPMed 0.00002; gnomAD 0.00003.
gnomAD v4.1: 67 of 1,613,912 alleles (0.0042%); highest among the groups gnomAD compares: Non-Finnish European, 0.005%; no homozygotes.

Submissions (2):

Labcorp Genetics (formerly Invitae), Labcorp
Classification: Likely benign. Last evaluated: 2024-08-23. Review status: criteria provided, single submitter. Criteria: Invitae Variant Classification Sherloc (09022015). Collection method: clinical testing. Allele origin: germline.

CeGaT Center for Human Genetics Tuebingen
Classification: Likely benign. Last evaluated: 2023-03-01. Review status: criteria provided, single submitter. Criteria: CeGaT Center For Human Genetics Tuebingen Variant Classification Criteria Version 2. Collection method: clinical testing. Allele origin: germline. Affected: yes. Observed: 1 variant allele.
Comment: SIX2: BP4, BP7